The following is an entry in ClinVar:

ClinVar aggregate classification (germline): Uncertain significance. Review status: criteria provided, multiple submitters, no conflicts (2 of 4 stars). 2 submissions from 2 submitters: Uncertain significance (2). Last evaluated 2025-11-14.

Conditions:
GNAS-related disorder. Identifiers: MedGen CN380105.
Early onset severe obesity. Identifiers: MedGen C4013980.

gnomAD v4.1: 51 of 1,527,772 alleles (0.0033%); highest among the groups gnomAD compares: Non-Finnish European, 0.0044%; no homozygotes.

Submissions (2):

PreventionGenetics, part of Exact Sciences
Classification: Uncertain significance for GNAS-related condition. Last evaluated: 2025-11-14. Review status: criteria provided, single submitter. Criteria: ACMG Guidelines, 2015. Collection method: clinical testing. Allele origin: germline.
Comment: The GNAS c.1408G>A variant is predicted to result in the amino acid substitution p.Ala470Thr. This variant is also referred to as c.-37054G>A with the more commonly reported transcript, NM_000516. To our knowledge, this variant has not been reported in the literature or in a large population database (gnomAD), indicating this variant is rare. At this time, the clinical significance of this variant is uncertain due to the absence of conclusive functional and genetic evidence.

Cambridge Genomics Laboratory, East Genomic Laboratory Hub, NHS Genomic Medicine Service
Classification: Uncertain significance for Severe early-onset obesity. Last evaluated: 2025-08-29. Review status: criteria provided, single submitter. Criteria: ACGS Best Practice Guidelines for Variant Classification in Rare Disease 2020. Collection method: clinical testing. Allele origin: germline. Affected: yes.
Comment: PM2,PP2,BP4

NM_080425.4(GNAS):c.1408G>A (p.Ala470Thr)

Gene: GNAS (GNAS complex locus; plus strand). Cytogenetic location: 20q13.32.
Variant type: single nucleotide variant.
Coding change: c.1408G>A on transcript NM_080425.4 (MANE Plus Clinical); coding-DNA position 1408, G replaced by A.
Protein change: p.Ala470Thr; replaces alanine 470 with threonine.
Molecular consequence: missense variant. On other transcripts: intron variant (3), synonymous variant (2).
Genome position (GRCh38, 1-based): chr20:58,854,673, G>A. VCF-style: chr20-58854673-G-A. GRCh37 (hg19) VCF-style: chr20-57429728-G-A.
Other names: c.*42+13787G>A (NM_016592.5); c.43+13787G>A (NM_001410912.1); c.-39+12798G>A (NM_001309861.2); c.1221G>A, p.Arg407= (NM_001077490.3, NM_001309883.1); c.1408G>A, p.Ala470Thr (NM_001410913.1); short protein forms A470T.
Identifiers: ClinVar variation 3352465 (VCV003352465.2).